The following is an entry in ClinVar:

NM_001844.5(COL2A1):c.2710C>T (p.Arg904Cys)

Gene: COL2A1 (collagen type II alpha 1 chain; minus strand). Cytogenetic location: 12q13.11.
Variant type: single nucleotide variant.
Coding change: c.2710C>T on transcript NM_001844.5 (MANE Select); coding-DNA position 2710, C replaced by T.
Protein change: p.Arg904Cys; replaces arginine 904 with cysteine.
Molecular consequence: missense variant.
Genome position (GRCh38, 1-based): chr12:47,979,534, G>A on the plus strand (C>T on the coding strand, the complement: COL2A1 is on the minus strand). VCF-style: chr12-47979534-G-A. GRCh37 (hg19) VCF-style: chr12-48373317-G-A.
Other names: R704C; c.2503C>T, p.Arg835Cys (NM_033150.3); short protein forms R835C, R904C.
Identifiers: ClinVar variation 17379 (VCV000017379.41), dbSNP rs121912882, ClinGen allele CA127163.

ClinVar aggregate classification (germline): Pathogenic. Review status: criteria provided, multiple submitters, no conflicts (2 of 4 stars). 15 submissions from 15 submitters: Pathogenic (12). 3 of the submissions do not count toward it. Last evaluated 2026-07-02.

Conditions:
COL2A1-related disorder. Also called: COL2A1-related condition; COL2A1-related disorders.
Stickler syndrome. Identifiers: Orphanet 828, MedGen C0265253, MONDO:0019354.
Myopia. Also called: Myopia (disease). Identifiers: MedGen C0027092, MONDO:0001384, HP:0000545.
Stickler syndrome type 1 (STL1). Also called: COL2A1-Related Stickler Syndrome; ARTHROOPHTHALMOPATHY, HEREDITARY PROGRESSIVE; STICKLER SYNDROME, MEMBRANOUS VITREOUS TYPE; STICKLER SYNDROME, VITREOUS TYPE 1. Identifiers: Orphanet 828, Orphanet 90653, MedGen C2020284, MONDO:0007160, OMIM 108300.
Multiple epiphyseal dysplasia, Beighton type. Identifiers: Orphanet 166011, MedGen C1851536, MONDO:0007562, OMIM 132450.

Allele frequency attached by ClinVar (database versions not stated): TOPMed 0.00002.

Submissions (15):

Cambridge Genomics Laboratory, East Genomic Laboratory Hub, NHS Genomic Medicine Service
Classification: Pathogenic for Stickler syndrome. Last evaluated: 2026-07-02. Review status: criteria provided, single submitter. Criteria: ACGS Best Practice Guidelines for Variant Classification in Rare Disease 2020. Collection method: clinical testing. Allele origin: germline. Affected: yes.
Comment: PS2_Moderate,PS4_Moderate,PM2,PP1_Strong,PP3

New York Genome Center
Classification: Pathogenic for Stickler syndrome type 1. Last evaluated: 2026-02-13. Review status: criteria provided, single submitter. Criteria: NYGC Assertion Criteria 2020. Collection method: clinical testing. Allele origin: de novo. Observed: 1 variant allele, 1 heterozygote.
Comment: The heterozygous apparently de novo c.2710C>T variant identified in COL2A1 has previously been reported in multiple individuals with Stickler syndrome or a COL2A1 -related disorder, and has shown to segregate with the disease or has been reported to have arisen de novo [PMID: 9800905, 22496037, 28018693, 27390512, others]. The c.2710C>T variant has been deposited in ClinVar as Pathogenic by multiple submitters (Variation ID: 17379) and is absent from the gnomAD v4.1.0 database, suggesting it is not a common benign variant in the populations represented in that database. The c.2710C>T variant in COL2A1 is located in exon 41 of this 54-exon gene, and predicted to replace a highly conserved arginine amino acid with cysteine at position 904 in the triple helical domain at the X position in the canonical Gly-X-Y repeat of the encoded protein (UniProt ID: P02458). In silico predictions are in favor of damaging effect for the p.(Arg904Cys) variant [REVEL=0.814]; however, there are no functional studies to support or refute these predictions. Based on available evidence the de novo c.2710C>T, p.(Arg904Cys) variant identified in COL2A1 is classified as Pathogenic.

Labcorp Genetics (formerly Invitae), Labcorp
Classification: Pathogenic. Last evaluated: 2025-11-23. Review status: criteria provided, single submitter. Criteria: Invitae Variant Classification Sherloc (09022015). Collection method: clinical testing. Allele origin: germline.
Comment: This sequence change replaces arginine, which is basic and polar, with cysteine, which is neutral and slightly polar, at codon 904 of the COL2A1 protein (p.Arg904Cys). This variant is not present in population databases (gnomAD no frequency). This missense change has been observed in individual(s) with Stickler syndrome (PMID: 9800905, 22496037, 27390512, 28018693, 28983407). In at least one individual the variant was observed to be de novo. It has also been observed to segregate with disease in related individuals. This variant is also known as p.Arg704Cys. ClinVar contains an entry for this variant (Variation ID: 17379). Invitae Evidence Modeling of protein sequence and biophysical properties (such as structural, functional, and spatial information, amino acid conservation, physicochemical variation, residue mobility, and thermodynamic stability) indicates that this missense variant is expected to disrupt COL2A1 protein function with a positive predictive value of 95%. For these reasons, this variant has been classified as Pathogenic.

Dasa
Classification: Pathogenic. Last evaluated: 2025-10-18. Review status: criteria provided, single submitter. Criteria: DASA Assertion Criteria. Collection method: clinical testing. Allele origin: germline.
Comment: NM_001844.5(COL2A1):c.2710C>T (p.Arg904Cys) is a missense variant that results in the substitution of arginine with cysteine. De novo occurrence has been reported in an individual with related phenotype. Segregation evidence has been reported in affected families. This variant has been recurrently observed in individuals with related phenotype (PMID: 16155195; PMID: 20513134; PMID: 30541462; PMID: 35052477; PMID: 36900003). Multiple computational predictions support a deleterious effect on the gene or gene product. The variant is present at low frequency in population datasets. Based on the available data, this variant is classified as pathogenic.

PreventionGenetics, part of Exact Sciences
Classification: Pathogenic for COL2A1-related condition. Last evaluated: 2025-09-11. Review status: criteria provided, single submitter. Criteria: ACMG Guidelines, 2015. Collection method: clinical testing. Allele origin: germline.
Comment: The COL2A1 c.2710C>T variant is predicted to result in the amino acid substitution p.Arg904Cys. This variant has been reported to be pathogenic in individuals with Marshall and Stickler syndrome phenotypes (Richards and Snead. 2008. PubMed ID: 18309338; Hoornaert et al. 2010. PubMed ID: 20179744; Nagendran et al. 2012. PubMed ID: 22496037; Wang et al. 2016. PubMed ID: 27390512; Guo et al. 2017. PubMed ID: 28983407; Zhou et al. 2018. PubMed ID: 29453956). This variant has not been reported in a large population database, indicating this variant is rare. This variant is interpreted as pathogenic.

3billion
Classification: Pathogenic for Stickler syndrome type 1. Last evaluated: 2025-07-08. Review status: criteria provided, single submitter. Criteria: ACMG Guidelines, 2015. Collection method: clinical testing. Allele origin: germline. Affected: yes.
Comment: The variant is not observed in the gnomAD v4.1.0 dataset. Predicted Consequence/Location: The variant is located in a mutational hot spot and/or well-established functional domain in which established pathogenic variants have been reported (PMID: 26626311). In silico tool predictions suggest damaging effect of the variant on gene or gene product [REVEL: 0.81 (>=0.6, sensitivity 0.68 and specificity 0.92)]. The same nucleotide change resulting in the same amino acid change has been previously reported as pathogenic/likely pathogenic with strong evidence (ClinVar ID: VCV000017379 /PMID: 9800905). The variant has been observed in at least two similarly affected unrelated individuals (PMID: 27390512, 28018693). Therefore, this variant is classified as Pathogenic according to the recommendation of ACMG/AMP guideline.

Laboratory of Medical Genetics, National & Kapodistrian University of Athens
Classification: Pathogenic for Stickler syndrome type 1. Last evaluated: 2024-02-21. Review status: criteria provided, single submitter. Criteria: ACMG Guidelines, 2015. Collection method: clinical testing. Allele origin: germline. Affected: yes.
Comment: PS4, PM2, PP3, PP4, PP5 - The variant has been reported in ClinVar as Pathogenic by other laboratories (Variation ID 17379). This variant has been previously reported as causative (PMID:28983407).

GeneDx
Classification: Pathogenic. Last evaluated: 2022-12-08. Review status: criteria provided, single submitter. Criteria: GeneDx Variant Classification Process June 2021. Collection method: clinical testing. Allele origin: germline. Affected: yes.
Comment: Occurs in the triple helical domain at the X position in the canonical Gly-X-Y repeat; other missense variants that introduce a cysteine residue in the triple helical domain have been reported in association with COL2A1-related disorders (HGMD); Not observed at significant frequency in large population cohorts (gnomAD); In silico analysis supports that this missense variant has a deleterious effect on protein structure/function; This variant is associated with the following publications: (PMID: 28018693, 22496037, 30541462, 20513134, 20179744, 26626311, 26443184, 28983407, 27390512, 16155195, 29453956, 30650974, 32427345, 32037395, 9800905)

Blueprint Genetics
Classification: Pathogenic for COL2A1-related disorders. Last evaluated: 2022-02-07. Review status: criteria provided, single submitter. Criteria: ACMG Guidelines, 2015. Collection method: clinical testing. Allele origin: germline. Affected: yes. Observed: 4 variant alleles.

ARUP Laboratories, Molecular Genetics and Genomics, ARUP Laboratories
Classification: Pathogenic. Last evaluated: 2020-02-07. Review status: criteria provided, single submitter. Criteria: ARUP Molecular Germline Variant Investigation Process. Collection method: clinical testing. Allele origin: germline.
Comment: The COL2A1 c.2710C>T; p.Arg904Cys variant (rs121912882), also known in traditional nomenclature as Arg704Cys, is reported in the literature in multiple individuals and families affected with Stickler syndrome type I or a related skeletal dysplasia (Ballo 1998, Barat-Houari 2016, Goyal 2016, Guo 2017, Hoornaert 2006, Nagendran 2012, TomcÃ­kova 2018, Wang 2016, Yang 2018). In one family, the variant was observed to segregate with disease (Ballo 1998), while in another family the variant was found in the proband but neither parent, suggesting a de novo origin (Guo 2016). This variant is absent from general population databases (Exome Variant Server, Genome Aggregation Database), indicating it is not a common polymorphism. The arginine at codon 904 is highly conserved, it occurs in the collagen triple helix domain, and computational analyses (SIFT, PolyPhen-2) predict that this variant is deleterious. Arginine-to-cysteine substitutions in the COL2A1 triple helix domain have been reported in association with a spectrum of skeletal phenotypes and can interfere with collagen stability, trafficking, or fibril formation (Hoornaert 2006). Based on available information, the p.Arg904Cys variant is considered to be pathogenic. References: Ballo R et al. Stickler-like syndrome due to a dominant negative mutation in the COL2A1 gene. Am J Med Genet. 1998 Oct 30;80(1):6-11. Barat-Houari M et al. The expanding spectrum of COL2A1 gene variants IN 136 patients with a skeletal dysplasia phenotype. Eur J Hum Genet. 2016 Jul;24(7):992-1000. Goyal M et al. Stickler Syndrome Type 1 with Short Stature and Atypical Ocular Manifestations. Case Rep Pediatr. 2016;2016:3198597. Guo L et al. Novel and recurrent COL11A1 and COL2A1 mutations in the Marshall-Stickler syndrome spectrum. Hum Genome Var. 2017 Oct 5;4:17040. Hoornaert KP et al. The phenotypic spectrum in patients with arginine to cysteine mutations in the COL2A1 gene. J Med Genet. 2006 May;43(5):406-13. Nagendran S et al. Somatic mosaicism and the phenotypic expression of COL2A1 mutations. Am J Med Genet A. 2012 May;158A(5):1204-7. TomcÃ­kova D et al. Marshall and stickler syndrome in one family. Cesk Slov Oftalmol. Winter 2018;74(3):108-111. Wang X et al. Mutation survey and genotype-phenotype analysis of COL2A1 and COL11A1 genes in 16 Chinese patients with Stickler syndrome. Mol Vis. 2016 Jun 23;22:697-704. Yang L et al. Pathogenic gene screening in 91 Chinese patients with short stature of unknown etiology with a targeted next-generation sequencing panel. BMC Med Genet. 2018 Dec 12;19(1):212.

Center for Pediatric Genomic Medicine, Children's Mercy Hospital and Clinics
Classification: Pathogenic. Last evaluated: 2017-06-22. Review status: criteria provided, single submitter. Criteria: ACMG Guidelines, 2015. Collection method: clinical testing. Allele origin: germline.

Centre for Mendelian Genomics, University Medical Centre Ljubljana
Classification: Pathogenic for Myopia. Last evaluated: 2015-01-23. Review status: criteria provided, single submitter. Criteria: ACMG Guidelines, 2015. Collection method: clinical testing. Allele origin: unknown. Affected: yes.

OMIM
Classification: Pathogenic for EPIPHYSEAL DYSPLASIA, MULTIPLE, WITH MYOPIA AND CONDUCTIVE DEAFNESS. Last evaluated: 1998-10-30. Review status: no assertion criteria provided. Collection method: literature only. Allele origin: germline. Not counted in ClinVar's aggregate classification.

Clinical Genetics DNA and cytogenetics Diagnostics Lab, Erasmus MC, Erasmus Medical Center
Classification: Pathogenic. Review status: no assertion criteria provided. Collection method: clinical testing. Allele origin: germline. Affected: yes. Study: VKGL Data-share Consensus. Not counted in ClinVar's aggregate classification.

Joint Genome Diagnostic Labs from Nijmegen and Maastricht, Radboudumc and MUMC+
Classification: Pathogenic. Review status: no assertion criteria provided. Collection method: clinical testing. Allele origin: germline. Affected: yes. Study: VKGL Data-share Consensus. Not counted in ClinVar's aggregate classification.

Literature cited by the submitters: PubMed 9800905 (cited by 5 submitters); PubMed 22496037 (cited by New York Genome Center and Labcorp Genetics (formerly Invitae), Labcorp); PubMed 28018693 (cited by 3 submitters); PubMed 27390512 (cited by 3 submitters); PubMed 28983407 (cited by Labcorp Genetics (formerly Invitae), Labcorp and Dasa); PubMed 16155195 (cited by Dasa); PubMed 20513134 (cited by Dasa); PubMed 30541462 (cited by Dasa); PubMed 35052477 (cited by Dasa); PubMed 36900003 (cited by Dasa).